The following is an entry in ClinVar:

NM_001034853.2(RPGR):c.2774G>A (p.Gly925Glu)

Gene: RPGR (retinitis pigmentosa GTPase regulator; minus strand). Cytogenetic location: Xp11.4.
Variant type: single nucleotide variant.
Coding change: c.2774G>A on transcript NM_001034853.2 (MANE Select); coding-DNA position 2774, G replaced by A.
Protein change: p.Gly925Glu; replaces glycine 925 with glutamic acid.
Molecular consequence: missense variant. On other transcripts: intron variant (8).
Genome position (GRCh38, 1-based): chrX:38,286,225, C>T on the plus strand (G>A on the coding strand, the complement: RPGR is on the minus strand). VCF-style: chrX-38286225-C-T. GRCh37 (hg19) VCF-style: chrX-38145478-C-T.
Other names: c.1569+4734G>A (NM_001367249.1, NM_001367250.1); c.1902+869G>A (NM_001367245.1); c.1386+4734G>A (NM_001367251.1); c.1719+869G>A (NM_001367246.1); c.1572+4734G>A (NM_001367247.1); c.1905+869G>A (NM_000328.3); c.1602+4734G>A (NM_001367248.1); short protein forms G925E.
Identifiers: ClinVar variation 3702645 (VCV003702645.2).

ClinVar aggregate classification (germline): Uncertain significance (1 of 4 stars; one submission).

Conditions:
Primary ciliary dyskinesia. Also called: Ciliary dyskinesia. Identifiers: Orphanet 244, MedGen C0008780, MONDO:0016575, HP:0012265.

Submission:

Labcorp Genetics (formerly Invitae), Labcorp
Classification: Uncertain significance for Primary ciliary dyskinesia. Last evaluated: 2024-03-16. Review status: criteria provided, single submitter. Criteria: Invitae Variant Classification Sherloc (09022015). Collection method: clinical testing. Allele origin: germline.
Comment: This sequence change replaces glycine, which is neutral and non-polar, with glutamic acid, which is acidic and polar, at codon 925 of the RPGR (ORF15) protein (p.Gly925Glu). The frequency data for this variant in the population databases is considered unreliable, as metrics indicate poor data quality at this position in the gnomAD database. This variant has not been reported in the literature in individuals affected with RPGR (ORF15)-related conditions. Advanced modeling of protein sequence and biophysical properties (such as structural, functional, and spatial information, amino acid conservation, physicochemical variation, residue mobility, and thermodynamic stability) performed at Invitae indicates that this missense variant is not expected to disrupt RPGR (ORF15) protein function with a negative predictive value of 95%. In summary, the available evidence is currently insufficient to determine the role of this variant in disease. Therefore, it has been classified as a Variant of Uncertain Significance.